The following is an entry in ClinVar:

NC_000021.8:g.35304341_36865875del

Genes: CLIC6 (chloride intracellular channel 6; plus strand), KCNE1 (potassium voltage-gated channel subfamily E regulatory subunit 1; minus strand), KCNE2 (potassium voltage-gated channel subfamily E regulatory subunit 2; plus strand), MRPS6 (mitochondrial ribosomal protein S6; plus strand), RCAN1 (regulator of calcineurin 1; minus strand) and 3 more. Cytogenetic location: 21q22.11-22.12.
Variant type: Deletion.
Identifiers: ClinVar variation 812913 (VCV000812913.3).

ClinVar aggregate classification (germline): Pathogenic. Review status: reviewed by expert panel (3 of 4 stars). 2 submissions from 2 submitters: Pathogenic (1). 1 of the submissions does not count toward it. Last evaluated 2023-12-09.

Conditions:
Thrombocytopenia. Identifiers: MedGen C0040034, MeSH D013921, MONDO:0002049, HP:0001873.
Hereditary thrombocytopenia and hematologic cancer predisposition syndrome. Identifiers: Orphanet 71290, MedGen CN281654, MONDO:0011071.

Submissions (2):

ClinGen Myeloid Malignancy Variant Curation Expert Panel
Classification: Pathogenic for Hereditary thrombocytopenia and hematologic cancer predisposition syndrome. Last evaluated: 2023-12-09. Review status: reviewed by expert panel. Criteria: ClinGen MyeloMalig ACMG Specifications v2. Collection method: curation. Allele origin: germline. Inheritance: Autosomal dominant inheritance.
Comment: This variant is completely absent from all population databases with at least 20x coverage for RUNX1 (PM2_supporting). This variant has been reported in one proband meeting at least one of the RUNX1-phenotypic criteria (PS4_ Supporting; PMID: 32581362). This variant is a nonsense/frameshift variants that is downstream of c.98 (PM5_Supporting). In summary, this variant meets criteria to be classified as likely pathogenic. ACMG/AMP criteria applied, as specified by the Myeloid Malignancy Variant Curation Expert Panel for RUNX1: PVS1, PM2_supporting, PS4_supporting, PM5_supporting.

NIHR Bioresource Rare Diseases, University of Cambridge
Classification: Likely pathogenic for Thrombocytopenia. Review status: no assertion criteria provided. Collection method: research. Allele origin: unknown. Affected: yes. Observed: 1 variant allele. Not counted in ClinVar's aggregate classification.

Literature cited by the submitters: PubMed 32581362 (cited by NIHR Bioresource Rare Diseases, University of Cambridge).